The following is an entry in ClinVar:

ClinVar aggregate classification (germline): Uncertain significance (1 of 4 stars; one submission).

Conditions:
Familial adenomatous polyposis 1 (FAP1). Also called: FAMILIAL ADENOMATOUS POLYPOSIS 1, ATTENUATED; POLYPOSIS, ADENOMATOUS INTESTINAL. Identifiers: MedGen C2713442, MONDO:0021056, OMIM 175100. Disease mechanism: loss of function.

Submission:

Labcorp Genetics (formerly Invitae), Labcorp
Classification: Uncertain significance for Familial adenomatous polyposis 1. Last evaluated: 2025-08-04. Review status: criteria provided, single submitter. Criteria: Invitae Variant Classification Sherloc (09022015). Collection method: clinical testing. Allele origin: germline.
Comment: This variant, c.608_610del, results in the deletion of 1 amino acid(s) of the APC protein (p.Gln203del), but otherwise preserves the integrity of the reading frame. This variant is not present in population databases (gnomAD no frequency). This variant has not been reported in the literature in individuals affected with APC-related conditions. Experimental studies and prediction algorithms are not available or were not evaluated, and the functional significance of this variant is currently unknown. In summary, the available evidence is currently insufficient to determine the role of this variant in disease. Therefore, it has been classified as a Variant of Uncertain Significance.

NM_000038.6(APC):c.605AAC[1] (p.Gln203del)

Gene: APC (APC regulator of Wnt signaling pathway; plus strand). Cytogenetic location: 5q22.2.
Variant type: Microsatellite.
Coding change: c.605AAC[1] on transcript NM_000038.6 (MANE Select); one copy of the 3-base unit AAC starting at c.605; the reference has two copies in a row; one copy, 3 bases deleted.
Protein change: p.Gln203del; deletes glutamine 203.
Molecular consequence: inframe deletion. On other transcripts: 5 prime UTR variant (4), non-coding transcript variant (2).
Genome position (GRCh38, 1-based): chr5:112,780,866-112,780,868, AAC deleted; deleting any 3 consecutive bases within chr5:112,780,863-112,780,868 gives the same sequence; the position shown is the placement nearest the transcript's 3' end. VCF-style (leftmost placement, unchanged base first): chr5-112780862-GAAC-G. GRCh37 (hg19) VCF-style: chr5-112116559-GAAC-G.
Other names: c.605AAC[1], p.Gln203del (NM_001127510.3, NM_001354895.2, NM_001354896.2 and 16 more transcripts); c.635AAC[1], p.Gln213del (NM_001127511.3, NM_001354897.2, NM_001354902.2 and 1 more transcripts); c.530AAC[1], p.Gln178del (NM_001354898.2, NM_001354904.2, NM_001407451.1); c.428AAC[1], p.Gln144del (NM_001354900.2, NM_001354901.2, NM_001354905.2 and 1 more transcripts); c.-431AAC[1] (NM_001354906.2, NM_001407470.1, NM_001407471.1 and 1 more transcripts); short protein forms Q203del, Q213del, Q144del, Q178del.
Identifiers: ClinVar variation 4714893 (VCV004714893.1).